The following is an entry in ClinVar:

ClinVar aggregate classification (germline): Likely benign. Review status: criteria provided, multiple submitters, no conflicts (2 of 4 stars). 3 submissions from 3 submitters: Likely benign (3). Last evaluated 2025-11-03.

Conditions:
NRXN1-related disorder.
Pitt-Hopkins-like syndrome 2 (PTHSL2). Identifiers: Orphanet 221150, Orphanet 600663, MedGen C3280479, MONDO:0013690, OMIM 614325.

Allele frequency attached by ClinVar (database versions not stated): gnomAD exomes below 0.00001; gnomAD 0.00001.

Submissions (3):

Labcorp Genetics (formerly Invitae), Labcorp
Classification: Likely benign for Pitt-Hopkins-like syndrome 2. Last evaluated: 2025-11-03. Review status: criteria provided, single submitter. Criteria: Invitae Variant Classification Sherloc (09022015). Collection method: clinical testing. Allele origin: germline.

PreventionGenetics, part of Exact Sciences
Classification: Likely benign for NRXN1-related condition. Last evaluated: 2024-10-08. Review status: criteria provided, single submitter. Criteria: ACMG Guidelines, 2015. Collection method: clinical testing. Allele origin: germline.
Comment: This variant is classified as likely benign based on ACMG/AMP sequence variant interpretation guidelines (Richards et al. 2015 PMID: 25741868, with internal and published modifications).

GeneDx
Classification: Likely benign. Last evaluated: 2020-07-17. Review status: criteria provided, single submitter. Criteria: GeneDx Variant Classification Process June 2021. Collection method: clinical testing. Allele origin: germline. Affected: yes.

NM_001330078.2(NRXN1):c.36T>C (p.Phe12=)

Gene: NRXN1 (neurexin 1; minus strand). Cytogenetic location: 2p16.3.
Variant type: single nucleotide variant.
Coding change: c.36T>C on transcript NM_001330078.2 (MANE Select); coding-DNA position 36, T replaced by C.
Protein change: p.Phe12=; no amino-acid change (phenylalanine 12 retained).
Molecular consequence: synonymous variant.
Genome position (GRCh38, 1-based): chr2:51,028,238, A>G on the plus strand (T>C on the coding strand, the complement: NRXN1 is on the minus strand). VCF-style: chr2-51028238-A-G. GRCh37 (hg19) VCF-style: chr2-51255376-A-G.
Other names: c.36T>C, p.Phe12= (NM_001135659.3, NM_001330077.2, NM_001330079.2 and 15 more transcripts); c.36T>C (NM_001135659.2).
Identifiers: ClinVar variation 1268279 (VCV001268279.10), dbSNP rs1374501973, ClinGen allele CA426129300.